The following is an entry in ClinVar:

ClinVar aggregate classification (germline): Likely pathogenic (1 of 4 stars; one submission).

Submission:

Labcorp Genetics (formerly Invitae), Labcorp
Classification: Likely pathogenic. Last evaluated: 2025-12-20. Review status: criteria provided, single submitter. Criteria: Invitae Variant Classification Sherloc (09022015). Collection method: clinical testing. Allele origin: germline.
Comment: This sequence change affects an acceptor splice site in intron 11 of the ABCA12 gene. It is expected to disrupt RNA splicing. Variants that disrupt the donor or acceptor splice site typically lead to a loss of protein function (PMID: 16199547), and loss-of-function variants in ABCA12 are known to be pathogenic (PMID: 20672373). This variant is not present in population databases (gnomAD no frequency). This variant has not been reported in the literature in individuals affected with ABCA12-related conditions. Algorithms developed to predict the effect of sequence changes on RNA splicing suggest that this variant may disrupt the consensus splice site. In summary, the currently available evidence indicates that the variant is pathogenic, but additional data are needed to prove that conclusively. Therefore, this variant has been classified as Likely Pathogenic.

Literature cited by the submitters: PubMed 16199547; PubMed 20672373.

NM_173076.3(ABCA12):c.1288-1G>A

Gene: ABCA12 (ATP binding cassette subfamily A member 12; minus strand). Cytogenetic location: 2q35.
Variant type: single nucleotide variant.
Coding change: c.1288-1G>A on transcript NM_173076.3 (MANE Select); the canonical splice acceptor site of the intron before coding-DNA position 1288, G replaced by A.
Molecular consequence: splice acceptor variant.
Genome position (GRCh38, 1-based): chr2:215,019,797, C>T on the plus strand (G>A on the coding strand, the complement: ABCA12 is on the minus strand). VCF-style: chr2-215019797-C-T. GRCh37 (hg19) VCF-style: chr2-215884521-C-T.
Other names: c.334-1G>A (NM_015657.4).
Identifiers: ClinVar variation 4729802 (VCV004729802.1).